The following is an entry in ClinVar:

NM_001042681.2(RERE):c.254G>A (p.Arg85His)

Gene: RERE (arginine-glutamic acid dipeptide repeats; minus strand). Cytogenetic location: 1p36.23.
Variant type: single nucleotide variant.
Coding change: c.254G>A on transcript NM_001042681.2 (MANE Select); coding-DNA position 254, G replaced by A.
Protein change: p.Arg85His; replaces arginine 85 with histidine.
Molecular consequence: missense variant.
Genome position (GRCh38, 1-based): chr1:8,656,044, C>T on the plus strand (G>A on the coding strand, the complement: RERE is on the minus strand). VCF-style: chr1-8656044-C-T. GRCh37 (hg19) VCF-style: chr1-8716103-C-T.
Other names: c.254G>A, p.Arg85His (NM_012102.4); short protein forms R85H.
Identifiers: ClinVar variation 3251441 (VCV003251441.1), dbSNP rs756301012.

ClinVar aggregate classification (germline): Uncertain significance (1 of 4 stars; one submission).

Allele frequency attached by ClinVar (database versions not stated): ExAC 0.00001; gnomAD 0.00001.
gnomAD v4.1: 5 of 1,613,982 alleles (0.00031%); highest among the groups gnomAD compares: East Asian, 0.0022%; no homozygotes.

Submission:

Women's Health and Genetics/Laboratory Corporation of America, LabCorp
Classification: Uncertain significance. Last evaluated: 2024-04-08. Review status: criteria provided, single submitter. Criteria: LabCorp Variant Classification Summary - May 2015. Collection method: clinical testing. Allele origin: germline.
Comment: Variant summary: RERE c.254G>A (p.Arg85His) results in a non-conservative amino acid change in the encoded protein sequence. Three of five in-silico tools predict a damaging effect of the variant on protein function. The variant allele was found at a frequency of 4e-06 in 251484 control chromosomes (gnomAD). The available data on variant occurrences in the general population are insufficient to allow any conclusion about variant significance. To our knowledge, no occurrence of c.254G>A in individuals affected with Neurodevelopmental Disorder With Or Without Anomalies Of The Brain, Eye, Or Heart and no experimental evidence demonstrating its impact on protein function have been reported. No submitters have cited clinical-significance assessments for this variant to ClinVar. Based on the evidence outlined above, the variant was classified as uncertain significance.